The following is an entry in ClinVar:

ClinVar aggregate classification (germline): Likely pathogenic (1 of 4 stars; one submission).

Conditions:
Immunodeficiency 35 (IMD35). Also called: Susceptibility to infection due to TYK2 deficiency; HIES WITH ATYPICAL MYCOBACTERIOSIS, AUTOSOMAL RECESSIVE; HYPER-IgE SYNDROME WITH ATYPICAL MYCOBACTERIOSIS, AUTOSOMAL RECESSIVE; TYK2 DEFICIENCY. Identifiers: Orphanet 331226, MedGen C1969086, MONDO:0012682, OMIM 611521.

Submission:

3billion
Classification: Likely pathogenic for Immunodeficiency 35. Last evaluated: 2025-02-27. Review status: criteria provided, single submitter. Criteria: ACMG Guidelines, 2015. Collection method: clinical testing. Allele origin: germline. Affected: yes.
Comment: The variant is not observed in the gnomAD v4.1.0 dataset. Predicted Consequence/Location: Frameshift: predicted to result in a loss or disruption of normal protein function through nonsense-mediated decay (NMD) or protein truncation. Multiple pathogenic variants are reported downstream of the variant. Therefore, this variant is classified as Likely pathogenic according to the recommendation of ACMG/AMP guideline.

NM_003331.5(TYK2):c.1704_1707dup (p.Ser570fs)

Gene: TYK2 (tyrosine kinase 2; minus strand). Cytogenetic location: 19p13.2.
Variant type: Duplication.
Coding change: c.1704_1707dup on transcript NM_003331.5 (MANE Select); coding-DNA positions 1704 to 1707, 4 bases duplicated (GGCC; older notation c.1704_1707dupGGCC).
Protein change: p.Ser570fs; shifts the reading frame from serine 570.
Molecular consequence: frameshift variant.
Genome position (GRCh38, 1-based): chr19:10,362,144-10,362,147, GGCC duplicated on the plus strand (GGCC on the coding strand, the reverse complement: TYK2 is on the minus strand). VCF-style (leftmost placement, unchanged base first): chr19-10362143-T-TGGCC. GRCh37 (hg19) VCF-style: chr19-10472819-T-TGGCC.
Other names: c.1704_1707dup, p.Ser570fs (NM_001385197.1, NM_001385198.1, NM_001385199.1 and 6 more transcripts); c.1506_1509dup, p.Ser504fs (NM_001385201.1); c.1614_1617dup, p.Ser540fs (NM_001385205.1); c.1578_1581dup, p.Ser528fs (NM_001385206.1); short protein forms S504fs, S528fs, S540fs, S570fs.
Identifiers: ClinVar variation 4292927 (VCV004292927.1).
Genomic context (GRCh38, chr19:10,362,143, plus strand): 5'-TGATCTCCTTCTGGTCAACCCGGTGGAAGCTGAGCTGGCTGAGGTTGAGTGTCCTGGGGC[T>TGGCC]GGCCCGAGCCCCCCGCATGATGATGAGATTGGAGGTTTCTGGGGGCAGGCATCAAGTCAT-3'